The following is an entry in ClinVar:

ClinVar aggregate classification (germline): Uncertain significance (1 of 4 stars; one submission).

Allele frequency attached by ClinVar (database versions not stated): TOPMed 0.00004; ExAC 0.00005; 1000 Genomes Project 30x 0.00016; ESP Exome Variant Server 0.00017; gnomAD 0.00006; 1000 Genomes Project 0.00020.
gnomAD v4.1: 154 of 1,613,092 alleles (0.0095%); highest among the groups gnomAD compares: Non-Finnish European, 0.012%; no homozygotes.

Submission:

Labcorp Genetics (formerly Invitae), Labcorp
Classification: Uncertain significance. Last evaluated: 2025-02-12. Review status: criteria provided, single submitter. Criteria: Invitae Variant Classification Sherloc (09022015). Collection method: clinical testing. Allele origin: germline.
Comment: This sequence change replaces arginine, which is basic and polar, with glutamine, which is neutral and polar, at codon 5 of the SEPT9 protein (p.Arg5Gln). This variant is present in population databases (rs200814561, gnomAD 0.008%). This variant has not been reported in the literature in individuals affected with SEPT9-related conditions. ClinVar contains an entry for this variant (Variation ID: 2978045). An algorithm developed to predict the effect of missense changes on protein structure and function (PolyPhen-2) suggests that this variant is likely to be tolerated. In summary, the available evidence is currently insufficient to determine the role of this variant in disease. Therefore, it has been classified as a Variant of Uncertain Significance.

NM_006640.5(SEPTIN9):c.14G>A (p.Arg5Gln)

Gene: SEPTIN9 (septin 9; plus strand). Cytogenetic location: 17q25.3.
Variant type: single nucleotide variant.
Coding change: c.14G>A on transcript NM_006640.5 (MANE Plus Clinical); coding-DNA position 14, G replaced by A.
Protein change: p.Arg5Gln; replaces arginine 5 with glutamine.
Molecular consequence: missense variant. On other transcripts: intron variant (3).
Genome position (GRCh38, 1-based): chr17:77,320,340, G>A. VCF-style: chr17-77320340-G-A. GRCh37 (hg19) VCF-style: chr17-75316422-G-A.
Other names: c.76+13143G>A (NM_001113491.2); c.19+38786G>A (NM_001293695.2); c.-417+13143G>A (NM_001113492.2); short protein forms R5Q.
Identifiers: ClinVar variation 2978045 (VCV002978045.3), dbSNP rs200814561, ClinGen allele CA8793067.